The following is an entry in ClinVar:

NC_000002.11:g.(?_32288901)_(32341301_?)del

Gene: SPAST (spastin; plus strand). Cytogenetic location: 2p22.3.
Variant type: Deletion.
Identifiers: ClinVar variation 2426016 (VCV002426016.3).

ClinVar aggregate classification (germline): Pathogenic (1 of 4 stars; one submission).

Conditions:
Hereditary spastic paraplegia 4. Also called: Spastic paraplegia 4, autosomal dominant; Spastic Paraplegia 4; Familial spastic paraplegia autosomal dominant 2. Identifiers: Orphanet 100985, MedGen C1866855, MONDO:0008438, OMIM 182601.

Submission:

Labcorp Genetics (formerly Invitae), Labcorp
Classification: Pathogenic for Hereditary spastic paraplegia 4. Last evaluated: 2022-07-17. Review status: criteria provided, single submitter. Criteria: Invitae Variant Classification Sherloc (09022015). Collection method: clinical testing. Allele origin: germline.
Comment: This variant is a gross deletion of the genomic region encompassing exon(s) 1-7 of the SPAST gene, which includes the initiator codon. This deletion extends beyond the assayed region for this gene and therefore may encompass additional genes. It is expected to result in an absent or disrupted protein product. Loss-of-function variants in SPAST are known to be pathogenic (PMID: 20932283). A similar copy number variant has been observed in individual(s) with spastic paraplegia (PMID: 17035675). For these reasons, this variant has been classified as Pathogenic.

Literature cited by the submitters: PubMed 20932283; PubMed 17035675.